The following is an entry in ClinVar:

ClinVar aggregate classification (germline): Likely benign (1 of 4 stars; one submission).

Conditions:
LMBRD2-related disorder.

gnomAD v4.1: 82 of 1,593,698 alleles (0.0051%); highest among the groups gnomAD compares: South Asian, 0.014%; no homozygotes.

Submission:

PreventionGenetics, part of Exact Sciences
Classification: Likely benign for LMBRD2-related condition. Last evaluated: 2026-02-27. Review status: criteria provided, single submitter. Criteria: ACMG Guidelines, 2015. Collection method: clinical testing. Allele origin: germline.
Comment: This variant is classified as likely benign based on ACMG/AMP sequence variant interpretation guidelines (Richards et al. 2015 PMID: 25741868, with internal and published modifications).

NM_001007527.2(LMBRD2):c.351G>A (p.Thr117=)

Gene: LMBRD2 (LMBR1 domain containing 2; minus strand). Cytogenetic location: 5p13.2.
Variant type: single nucleotide variant.
Coding change: c.351G>A on transcript NM_001007527.2 (MANE Select); coding-DNA position 351, G replaced by A.
Protein change: p.Thr117=; no amino-acid change (threonine 117 retained).
Molecular consequence: synonymous variant.
Genome position (GRCh38, 1-based): chr5:36,141,124, C>T on the plus strand (G>A on the coding strand, the complement: LMBRD2 is on the minus strand). VCF-style: chr5-36141124-C-T. GRCh37 (hg19) VCF-style: chr5-36141226-C-T.
Identifiers: ClinVar variation 4979227 (VCV004979227.1).